The following is an entry in ClinVar:

NM_001031710.3(KLHL7):c.422T>C (p.Val141Ala)

Gene: KLHL7 (kelch like family member 7; plus strand). Cytogenetic location: 7p15.3.
Variant type: single nucleotide variant.
Coding change: c.422T>C on transcript NM_001031710.3 (MANE Select); coding-DNA position 422, T replaced by C.
Protein change: p.Val141Ala; replaces valine 141 with alanine.
Molecular consequence: missense variant. On other transcripts: non-coding transcript variant (2).
Genome position (GRCh38, 1-based): chr7:23,125,152, T>C. VCF-style: chr7-23125152-T-C. GRCh37 (hg19) VCF-style: chr7-23164771-T-C.
Other names: c.422T>C, p.Val141Ala (NM_001172428.2); c.278T>C, p.Val93Ala (NM_018846.5); short protein forms V141A, V93A.
Identifiers: ClinVar variation 438050 (VCV000438050.15), dbSNP rs1554286384, ClinGen allele CA366975744.
Genomic context (GRCh38, chr7:23,125,152, plus strand): 5'-CAAACCAATATCAGATTGAACCTGTGAAGAAAATGTGTGTTGATTTTTTGAAAGAACAAG[T>C]TGATGCTTCAAATTGTCTTGGTAAGAAATATCAGATTCCTGTTGTGTGTTTATTTTGTTT-3'
Protein context (NP_001026880.2, residues 131-151): KMCVDFLKEQ[Val141Ala]DASNCLGISV

ClinVar aggregate classification (germline): Conflicting classifications of pathogenicity. Review status: criteria provided, conflicting classifications (1 of 4 stars). 5 submissions from 5 submitters: Pathogenic (1); Likely pathogenic (2); Uncertain significance (1). 1 of the submissions does not count toward it. Last evaluated 2024-10-29.

Conditions:
KLHL7-related disorder. Also called: KLHL7-related condition; KLHL7-related disorders.
Retinitis pigmentosa 42 (RP42). Identifiers: Orphanet 791, MedGen C2751986, MONDO:0013052, OMIM 612943.
Retinitis pigmentosa (RP). Identifiers: Orphanet 791, MedGen C0035334, MeSH D012174, MONDO:0019200, OMIM 268000. Inheritance: Autosomal dominant, autosomal recessive and X linked inheritance.

Allele frequency attached by ClinVar (database versions not stated): gnomAD exomes below 0.00001.

Submissions (5):

Labcorp Genetics (formerly Invitae), Labcorp
Classification: Likely pathogenic. Last evaluated: 2024-10-29. Review status: criteria provided, single submitter. Criteria: Invitae Variant Classification Sherloc (09022015). Collection method: clinical testing. Allele origin: germline.
Comment: This sequence change replaces valine, which is neutral and non-polar, with alanine, which is neutral and non-polar, at codon 141 of the KLHL7 protein (p.Val141Ala). This variant is not present in population databases (gnomAD no frequency). This missense change has been observed in individuals with autosomal dominant KLHL7-related conditions (PMID: 27160483, 34906470, 37510321; internal data). ClinVar contains an entry for this variant (Variation ID: 438050). An algorithm developed to predict the effect of missense changes on protein structure and function (PolyPhen-2) suggests that this variant is likely to be tolerated. In summary, the currently available evidence indicates that the variant is pathogenic, but additional data are needed to prove that conclusively. Therefore, this variant has been classified as Likely Pathogenic.

Institute of Medical Genetics and Applied Genomics, University Hospital Tübingen
Classification: Likely pathogenic for Retinitis pigmentosa 42. Last evaluated: 2024-07-29. Review status: criteria provided, single submitter. Criteria: ACMG Guidelines, 2015. Collection method: clinical testing. Allele origin: germline. Inheritance: Autosomal dominant inheritance. Affected: yes.

Blueprint Genetics
Classification: Pathogenic for KLHL7-related disorders. Last evaluated: 2021-09-07. Review status: criteria provided, single submitter. Criteria: ACMG Guidelines, 2015. Collection method: clinical testing. Allele origin: germline. Affected: yes. Observed: 3 variant alleles.

Broad Center for Mendelian Genomics, Broad Institute of MIT and Harvard
Classification: Uncertain significance for Retinitis pigmentosa. Last evaluated: 2021-04-01. Review status: criteria provided, single submitter. Criteria: ACMG Guidelines, 2015. Collection method: curation. Allele origin: germline. Inheritance: Autosomal dominant inheritance. Affected: yes.
Comment: Through a review of available evidence we were able to apply the following criteria: PM2, PP2. Based on this evidence we have classified this variant as a Variant of Uncertain Significance. If you have any questions about the classification please reach out to the Pierce Lab.

NIHR Bioresource Rare Diseases, University of Cambridge
Classification: Likely pathogenic for Retinitis pigmentosa. Last evaluated: 2015-01-01. Review status: no assertion criteria provided. Collection method: research. Allele origin: unknown. Affected: yes. Observed: 1 variant allele. Not counted in ClinVar's aggregate classification.

Literature cited by the submitters: PubMed 27160483 (cited by Labcorp Genetics (formerly Invitae), Labcorp and Broad Center for Mendelian Genomics, Broad Institute of MIT and Harvard); PubMed 34906470 (cited by Labcorp Genetics (formerly Invitae), Labcorp and Broad Center for Mendelian Genomics, Broad Institute of MIT and Harvard); PubMed 37510321 (cited by Labcorp Genetics (formerly Invitae), Labcorp); PubMed 28041643 (cited by Broad Center for Mendelian Genomics, Broad Institute of MIT and Harvard and NIHR Bioresource Rare Diseases, University of Cambridge); PubMed 32581362 (cited by Broad Center for Mendelian Genomics, Broad Institute of MIT and Harvard).